The following is an entry in ClinVar:

ClinVar aggregate classification (germline): Benign (1 of 4 stars; one submission).

Allele frequency attached by ClinVar (database versions not stated): ExAC 0.48356; gnomAD 0.50800; TOPMed 0.55811; 1000 Genomes Project 0.58247; 1000 Genomes Project 30x 0.58635.
gnomAD v4.1: 730,800 of 1,601,904 alleles (46%); highest among the groups gnomAD compares: African/African-American, 70%; 177,143 homozygotes.

Submission:

Laboratory for Molecular Medicine, Mass General Brigham Personalized Medicine
Classification: Benign. Last evaluated: 2016-03-28. Review status: criteria provided, single submitter. Criteria: LMM Criteria. Collection method: clinical testing. Allele origin: germline.
Comment: Variant identified in a genome or exome case(s) and assessed due to predicted null impact of the variant or pathogenic assertions in the literature or databases. Disclaimer: This variant has not undergone full assessment. The following are preliminary notes: Frequency

NM_001177519.3(MICA):c.707T>C (p.Ile236Thr)

Gene: MICA (MHC class I polypeptide-related sequence A; plus strand). Cytogenetic location: 6p21.33.
Variant type: single nucleotide variant.
Coding change: c.707T>C on transcript NM_001177519.3 (MANE Select); coding-DNA position 707, T replaced by C.
Protein change: p.Ile236Thr; replaces isoleucine 236 with threonine.
Molecular consequence: missense variant. On other transcripts: no sequence alteration (1).
Genome position (GRCh38, 1-based): chr6:31,412,040, T>C. VCF-style: chr6-31412040-T-C. GRCh37 (hg19) VCF-style: chr6-31379817-T-C.
Other names: c.707=, p.Thr236= (NM_000247.3); c.416T>C, p.Ile139Thr (NM_001289152.2, NM_001289153.2); c.293T>C, p.Ile98Thr (NM_001289154.2); short protein forms I236T, I139T, I98T.
Identifiers: ClinVar variation 403084 (VCV000403084.4), dbSNP rs1140700, ClinGen allele CA3712219.
Genomic context (GRCh38, chr6:31,412,040, plus strand): 5'-CCTCAGAGGGCAACATCACCGTGACATGCAGGGCTTCCAGCTTCTATCCCCGGAATATCA[T>C]ACTGACCTGGCGTCAGGATGGGGTATCTTTGAGCCACGACACCCAGCAGTGGGGGGATGT-3'
Protein context (NP_001170990.1, residues 226-246): RASSFYPRNI[Ile236Thr]LTWRQDGVSL